The following is an entry in ClinVar:

ClinVar aggregate classification (germline): Conflicting classifications of pathogenicity. Review status: criteria provided, conflicting classifications (1 of 4 stars). 9 submissions from 9 submitters: Uncertain significance (1); Benign (1); Likely benign (5). 2 of the submissions do not count toward it. Last evaluated 2026-01-24.

Conditions:
FANCA-related disorder. Also called: FANCA-related condition.
Fanconi anemia (FA). Also called: Fanconi's anemia. Identifiers: Orphanet 84, MedGen C0015625, MeSH D005199, MONDO:0019391.
Fanconi anemia complementation group A (FANCA). Also called: Fanconi anemia, group A; FANCA-Related Fanconi Anemia. Identifiers: Orphanet 84, MedGen C3469521, MONDO:0009215, OMIM 227650.

Allele frequency attached by ClinVar (database versions not stated): gnomAD 0.00016; 1000 Genomes Project 0.00020; ESP Exome Variant Server 0.00023; TOPMed 0.00030; 1000 Genomes Project 30x 0.00031; ExAC 0.00055; gnomAD exomes 0.00055.
gnomAD v4.1: 678 of 1,609,346 alleles (0.042%); highest among the groups gnomAD compares: Middle Eastern, 0.15%; 2 homozygotes.

Submissions (9):

Labcorp Genetics (formerly Invitae), Labcorp
Classification: Benign for Fanconi anemia. Last evaluated: 2026-01-24. Review status: criteria provided, single submitter. Criteria: Invitae Variant Classification Sherloc (09022015). Collection method: clinical testing. Allele origin: germline.

CeGaT Center for Human Genetics Tuebingen
Classification: Likely benign. Last evaluated: 2025-09-01. Review status: criteria provided, single submitter. Criteria: CeGaT Center For Human Genetics Tuebingen Variant Classification Criteria Version 2. Collection method: clinical testing. Allele origin: germline. Affected: yes. Observed: 2 variant alleles.
Comment: FANCA: BP4, BS2

Blueprint Genetics
Classification: Likely benign. Last evaluated: 2024-11-11. Review status: criteria provided, single submitter. Criteria: ACMG Guidelines, 2015. Collection method: clinical testing. Allele origin: germline.

Sema4
Classification: Likely benign for Fanconi anemia. Last evaluated: 2021-06-05. Review status: criteria provided, single submitter. Criteria: Sema4 Curation Guidelines. Collection method: curation. Allele origin: germline.

Genetic Services Laboratory, University of Chicago
Classification: Likely benign. Last evaluated: 2019-06-14. Review status: criteria provided, single submitter. Criteria: ACMG Guidelines, 2015. Collection method: clinical testing. Allele origin: germline. Affected: no.

Mendelics
Classification: Likely benign for Fanconi anemia complementation group A. Last evaluated: 2019-05-28. Review status: criteria provided, single submitter. Criteria: Mendelics Assertion Criteria 2017. Collection method: clinical testing. Allele origin: unknown.

Illumina Laboratory Services, Illumina
Classification: Uncertain significance for Fanconi anemia complementation group A. Last evaluated: 2018-01-13. Review status: criteria provided, single submitter. Criteria: ICSL Variant Classification Criteria 13 December 2019. Collection method: clinical testing. Allele origin: germline.

Natera, Inc.
Classification: Likely benign for Fanconi anemia, group A. Last evaluated: 2020-01-07. Review status: no assertion criteria provided. Collection method: clinical testing. Allele origin: germline. Not counted in ClinVar's aggregate classification.

PreventionGenetics, part of Exact Sciences
Classification: Likely benign for FANCA-related condition. Last evaluated: 2019-06-05. Review status: no assertion criteria provided. Collection method: clinical testing. Allele origin: germline. Not counted in ClinVar's aggregate classification.
Comment: This variant is classified as likely benign based on ACMG/AMP sequence variant interpretation guidelines (Richards et al. 2015 PMID: 25741868, with internal and published modifications).

NM_000135.4(FANCA):c.3348+7G>T

Gene: FANCA (FA complementation group A; minus strand). Cytogenetic location: 16q24.3.
Variant type: single nucleotide variant.
Coding change: c.3348+7G>T on transcript NM_000135.4 (MANE Select); 7 bases into the intron after coding-DNA position 3348, G replaced by T.
Molecular consequence: intron variant.
Genome position (GRCh38, 1-based): chr16:89,748,652, C>A on the plus strand (G>T on the coding strand, the complement: FANCA is on the minus strand). VCF-style: chr16-89748652-C-A. GRCh37 (hg19) VCF-style: chr16-89815060-C-A.
Other names: c.3348+7G>T (NM_001286167.3, LRG_495t1).
Identifiers: ClinVar variation 321339 (VCV000321339.64), dbSNP rs185527578, ClinGen allele CA8251230.